The following is an entry in ClinVar:

NM_004336.5(BUB1):c.2993T>C (p.Met998Thr)

Gene: BUB1 (BUB1 mitotic checkpoint serine/threonine kinase; minus strand). Cytogenetic location: 2q13.
Variant type: single nucleotide variant.
Coding change: c.2993T>C on transcript NM_004336.5 (MANE Select); coding-DNA position 2993, T replaced by C.
Protein change: p.Met998Thr; replaces methionine 998 with threonine.
Molecular consequence: missense variant.
Genome position (GRCh38, 1-based): chr2:110,639,811, A>G on the plus strand (T>C on the coding strand, the complement: BUB1 is on the minus strand). VCF-style: chr2-110639811-A-G. GRCh37 (hg19) VCF-style: chr2-111397388-A-G.
Other names: c.2933T>C, p.Met978Thr (NM_001278616.2); c.2822T>C, p.Met941Thr (NM_001278617.2); short protein forms M941T, M978T, M998T.
Identifiers: ClinVar variation 1798547 (VCV001798547.3), dbSNP rs1689454423, ClinGen allele CA348088820.
Genomic context (GRCh38, chr2:110,639,811, plus strand): 5'-AGACCTTCAGGCTTACACTCTCCTCCTTCATTTTTCACTTTCATGTAAGTGCCAAAGAGC[A>G]TGCAATATACTGTTGCAGCAACCCCAAAGTAATCGATCTATGAAGAAGATAGAGGTATAT-3'
Protein context (NP_004327.1, residues 988-1008): YFGVAATVYC[Met998Thr]LFGTYMKVKN

ClinVar aggregate classification (germline): Uncertain significance (1 of 4 stars; one submission).

Allele frequency attached by ClinVar (database versions not stated): gnomAD exomes below 0.00001; TOPMed below 0.00001.
gnomAD v4.1: 3 of 1,614,170 alleles (0.00019%); highest among the groups gnomAD compares: Non-Finnish European, 0.00025%; no homozygotes.

Submission:

Ambry Genetics
Classification: Uncertain significance. Last evaluated: 2024-10-20. Review status: criteria provided, single submitter. Criteria: Ambry Variant Classification Scheme 2023. Collection method: clinical testing. Allele origin: germline.
Comment: The p.M998T variant (also known as c.2993T>C), located in coding exon 24 of the BUB1 gene, results from a T to C substitution at nucleotide position 2993. The methionine at codon 998 is replaced by threonine, an amino acid with similar properties. This amino acid position is conserved. In addition, this alteration is predicted to be deleterious by in silico analysis. Since supporting evidence is limited at this time, the clinical significance of this alteration remains unclear.